The following is an entry in ClinVar:

NM_152703.5(SAMD9L):c.1039G>A (p.Ala347Thr)

Gene: SAMD9L (sterile alpha motif domain containing 9 like; minus strand). Cytogenetic location: 7q21.2.
Variant type: single nucleotide variant.
Coding change: c.1039G>A on transcript NM_152703.5 (MANE Select); coding-DNA position 1039, G replaced by A.
Protein change: p.Ala347Thr; replaces alanine 347 with threonine.
Molecular consequence: missense variant.
Genome position (GRCh38, 1-based): chr7:93,134,933, C>T on the plus strand (G>A on the coding strand, the complement: SAMD9L is on the minus strand). VCF-style: chr7-93134933-C-T. GRCh37 (hg19) VCF-style: chr7-92764246-C-T.
Other names: c.1039G>A, p.Ala347Thr (NM_001303496.3, NM_001303497.3, NM_001303498.3 and 5 more transcripts); short protein forms A347T.
Identifiers: ClinVar variation 4630145 (VCV004630145.1).

ClinVar aggregate classification (germline): Uncertain significance (1 of 4 stars; one submission).

Conditions:
Inborn genetic diseases. Identifiers: MedGen C0950123, MeSH D030342.

Submission:

Ambry Genetics
Classification: Uncertain significance for Inborn genetic diseases. Last evaluated: 2025-11-29. Review status: criteria provided, single submitter. Criteria: Ambry Variant Classification Scheme 2023. Collection method: clinical testing. Allele origin: germline.
Comment: The p.A347T variant (also known as c.1039G>A), located in coding exon 1 of the SAMD9L gene, results from a G to A substitution at nucleotide position 1039. The alanine at codon 347 is replaced by threonine, an amino acid with similar properties. This amino acid position is conserved. In addition, this alteration is predicted to be tolerated by in silico analysis. Based on the available evidence, the clinical significance of this variant remains unclear.